The following is an entry in ClinVar:

ClinVar aggregate classification (germline): Benign/Likely benign. Review status: criteria provided, multiple submitters, no conflicts (2 of 4 stars). 3 submissions from 3 submitters: Benign (1); Likely benign (1). 1 of the submissions does not count toward it. Last evaluated 2025-12-23.

Conditions:
FBN3-related disorder. Also called: FBN3-related condition.

Allele frequency attached by ClinVar (database versions not stated): 1000 Genomes Project 30x 0.00031; 1000 Genomes Project 0.00040; gnomAD 0.00056 and 0.00058; TOPMed 0.00060; ESP Exome Variant Server 0.00108; gnomAD exomes 0.00004 and 0.00021; ExAC 0.00019.
gnomAD v4.1: 142 of 1,489,334 alleles (0.0095%); highest among the groups gnomAD compares: African/African-American, 0.18%; no homozygotes.

Submissions (3):

Labcorp Genetics (formerly Invitae), Labcorp
Classification: Benign. Last evaluated: 2025-12-23. Review status: criteria provided, single submitter. Criteria: Invitae Variant Classification Sherloc (09022015). Collection method: clinical testing. Allele origin: germline.

GeneDx
Classification: Likely benign. Last evaluated: 2018-04-06. Review status: criteria provided, single submitter. Criteria: GeneDx Variant Classification (06012015). Collection method: clinical testing. Allele origin: germline. Affected: yes.
Comment: This variant is considered likely benign or benign based on one or more of the following criteria: it is a conservative change, it occurs at a poorly conserved position in the protein, it is predicted to be benign by multiple in silico algorithms, and/or has population frequency not consistent with disease.

PreventionGenetics, part of Exact Sciences
Classification: Likely benign for FBN3-related condition. Last evaluated: 2019-04-10. Review status: no assertion criteria provided. Collection method: clinical testing. Allele origin: germline. Not counted in ClinVar's aggregate classification.
Comment: This variant is classified as likely benign based on ACMG/AMP sequence variant interpretation guidelines (Richards et al. 2015 PMID: 25741868, with internal and published modifications).

NM_032447.5(FBN3):c.4334-6C>G

Gene: FBN3 (fibrillin 3; minus strand). Cytogenetic location: 19p13.2.
Variant type: single nucleotide variant.
Coding change: c.4334-6C>G on transcript NM_032447.5 (MANE Select); 6 bases into the intron before coding-DNA position 4334, C replaced by G.
Molecular consequence: intron variant.
Genome position (GRCh38, 1-based): chr19:8,109,759, G>C on the plus strand (C>G on the coding strand, the complement: FBN3 is on the minus strand). VCF-style: chr19-8109759-G-C. GRCh37 (hg19) VCF-style: chr19-8174643-G-C.
Other names: c.4334-6C>G (NM_001321431.2, NM_001321431.1).
Identifiers: ClinVar variation 681348 (VCV000681348.11), dbSNP rs139666257, ClinGen allele CA9152083.